The following is an entry in ClinVar:

ClinVar aggregate classification (germline): Pathogenic (1 of 4 stars; one submission).

Submission:

GeneDx
Classification: Pathogenic. Last evaluated: 2015-05-28. Review status: criteria provided, single submitter. Criteria: GeneDx Variant Classification (06012015). Collection method: clinical testing. Allele origin: germline. Affected: yes.
Comment: The T4832N variant in the RYR1 gene has not been reported previously as a pathogenic variantnor as a benign polymorphism, to our knowledge. The T4832N substitution was not observed in approximately6500 individuals of European and African American ancestry in the NHLBI Exome Sequencing Project,indicating it is not a common benign variant in these populations. The T4832N variant is a conservativeamino acid substitution, which is not likely to impact secondary protein structure as these residues sharesimilar properties. This substitution occurs at a position that is conserved across species. In silico analysispredicts this variant is probably damaging to the protein structure/function. Missense variants in nearbyresidues (R4825P, T4826I, H4833Y, L4838V) have been reported in the Human Gene Mutation Databasein association with RYR1-related disorders (Stenson et al., 2014), supporting the functional importance ofthis region of the protein. We interpret T4832N as a pathogenic variant.

NM_000540.3(RYR1):c.14495C>A (p.Thr4832Asn)

Gene: RYR1 (ryanodine receptor 1; plus strand). Cytogenetic location: 19q13.2.
Variant type: single nucleotide variant.
Coding change: c.14495C>A on transcript NM_000540.3 (MANE Select); coding-DNA position 14495, C replaced by A.
Protein change: p.Thr4832Asn; replaces threonine 4832 with asparagine.
Molecular consequence: missense variant.
Genome position (GRCh38, 1-based): chr19:38,580,112, C>A. VCF-style: chr19-38580112-C-A. GRCh37 (hg19) VCF-style: chr19-39070752-C-A.
Other names: c.14480C>A, p.Thr4827Asn (NM_001042723.2); short protein forms T4832N, T4827N.
Identifiers: ClinVar variation 379719 (VCV000379719.2), dbSNP rs1057520711, ClinGen allele CA16607807.